The following is an entry in ClinVar:

NM_153717.3(EVC):c.1257_1259delinsAGTT (p.Glu420fs)

Gene: EVC (EvC ciliary complex subunit 1; plus strand). Cytogenetic location: 4p16.2.
Variant type: Indel.
Coding change: c.1257_1259delinsAGTT on transcript NM_153717.3 (MANE Select); coding-DNA positions 1257 to 1259, GGA replaced by AGTT.
Protein change: p.Glu420fs; shifts the reading frame from glutamic acid 420.
Molecular consequence: frameshift variant.
Genome position (GRCh38, 1-based): chr4:5,752,994-5,752,996, GGA replaced by AGTT. VCF-style: chr4-5752994-GGA-AGTT. GRCh37 (hg19) VCF-style: chr4-5754721-GGA-AGTT.
Other names: c.1257_1259delinsAGTT, p.Glu420fs (NM_001306090.2, NM_001306092.2); c.1257_1259delGGAinsAGTT (NM_153717.2); short protein forms E420fs.
Identifiers: ClinVar variation 966504 (VCV000966504.9), dbSNP rs1730623318, ClinGen allele CA1139658417.
Genomic context (GRCh38, chr4:5,752,994, plus strand): 5'-CATCTCCCACGGCCTGGAGCTGCTGGCTGGTGAGGGGAAGCTGTCCGGGCGGCAGAAGGA[GGA>AGTT]GCTGCTCACGCAGCAGCACAAGGCCTTCTGGCAGGAGGCAGAGCGCTTCAGCCGGGGTGA-3'

ClinVar aggregate classification (germline): Pathogenic/Likely pathogenic. Review status: criteria provided, multiple submitters, no conflicts (2 of 4 stars). 2 submissions from 2 submitters: Pathogenic (1); Likely pathogenic (1). Last evaluated 2025-04-24.

Conditions:
Ellis-van Creveld syndrome (EVC). Also called: EVC-Related Ellis-van Creveld Syndrome; EVC2-Related Ellis-van Creveld Syndrome; MESOECTODERMAL DYSPLASIA; Chondroectodermal dysplasia. Identifiers: Orphanet 289, MedGen C0013903, MONDO:0009162, OMIM 225500.
Curry-Hall syndrome (WAD). Also called: WEYERS ACRODENTAL DYSOSTOSIS. Identifiers: Orphanet 952, MedGen C0457013, MONDO:0008673, OMIM 193530.

Submissions (2):

Natera, Inc.
Classification: Likely pathogenic for Ellis-van Creveld syndrome. Last evaluated: 2025-04-24. Review status: criteria provided, single submitter. Criteria: Natera Variant Classification Schema (03/2026). Collection method: clinical testing. Allele origin: germline.
Comment: The c.1257_1259delGGAinsAGTT variant in EVC is a frameshift variant predicted to shift the reading frame beginning at codon 420 and leads to a stop codon 57 codons downstream. This variant is expected to result in nonsense mediated decay, truncation, or a dysfunctional protein product. This variant is rare in the general population with a frequency below the threshold expected for the associated phenotype(s). Given the available evidence, this variant is classified as Likely Pathogenic.

Labcorp Genetics (formerly Invitae), Labcorp
Classification: Pathogenic for Curry-Hall syndrome; Ellis-van Creveld syndrome. Last evaluated: 2024-07-06. Review status: criteria provided, single submitter. Criteria: Invitae Variant Classification Sherloc (09022015). Collection method: clinical testing. Allele origin: germline.
Comment: This sequence change creates a premature translational stop signal (p.Glu420Valfs*57) in the EVC gene. It is expected to result in an absent or disrupted protein product. Loss-of-function variants in EVC are known to be pathogenic (PMID: 23220543). Information on the frequency of this variant in the gnomAD database is not available, as this variant may be reported differently in the database. This variant has not been reported in the literature in individuals affected with EVC-related conditions. For these reasons, this variant has been classified as Pathogenic.

Literature cited by the submitters: PubMed 23220543 (cited by Labcorp Genetics (formerly Invitae), Labcorp).